The following is an entry in ClinVar:

ClinVar aggregate classification (germline): Conflicting classifications of pathogenicity. Review status: criteria provided, conflicting classifications (1 of 4 stars). 5 submissions from 5 submitters: Pathogenic (1); Likely pathogenic (2); Uncertain significance (2). Last evaluated 2026-06-17.

Conditions:
Loeys-Dietz syndrome (LDS). Identifiers: Orphanet 60030, MedGen C2697932, MONDO:0018954.
Familial thoracic aortic aneurysm and aortic dissection (TAAD). Also called: Thoracic aortic aneurysms and dissections. Identifiers: Orphanet 91387, MedGen C4707243, MONDO:0019625.

Submissions (5):

Ambry Genetics
Classification: Uncertain significance for Familial thoracic aortic aneurysm and aortic dissection. Last evaluated: 2026-06-17. Review status: criteria provided, single submitter. Criteria: Ambry Variant Classification Scheme 2023. Collection method: clinical testing. Allele origin: germline.
Comment: The p.N384S variant (also known as c.1151A>G), located in coding exon 4 of the TGFBR2 gene, results from an A to G substitution at nucleotide position 1151. The asparagine at codon 384 is replaced by serine, an amino acid with highly similar properties. This alteration has been reported in individuals with concerns for Loeys-Dietz syndrome; however, clinical details were limited in some cases (Loeys BL et al. N Engl J Med, 2006 Aug;355:788-98; Singh KK et al. Hum Mutat, 2006 Aug;27:770-7; Ambry internal data; external communication). This amino acid position is highly conserved in available vertebrate species. In addition, the in silico prediction for this alteration is inconclusive. Since supporting evidence is limited at this time, the clinical significance of this alteration remains unclear.

Labcorp Genetics (formerly Invitae), Labcorp
Classification: Pathogenic for Familial thoracic aortic aneurysm and aortic dissection. Last evaluated: 2025-10-13. Review status: criteria provided, single submitter. Criteria: Invitae Variant Classification Sherloc (09022015). Collection method: clinical testing. Allele origin: germline.
Comment: This sequence change replaces asparagine, which is neutral and polar, with serine, which is neutral and polar, at codon 384 of the TGFBR2 protein (p.Asn384Ser). This variant is not present in population databases (gnomAD no frequency). This missense change has been observed in individuals with thoracic aortic aneurysm and dissection (PMID: 16799921, 16928994; internal data). ClinVar contains an entry for this variant (Variation ID: 36860). Invitae Evidence Modeling incorporating data from in vitro experimental studies (internal data) indicates that this missense variant is expected to disrupt TGFBR2 function with a positive predictive value of 95%. For these reasons, this variant has been classified as Pathogenic.

GeneDx
Classification: Uncertain significance. Last evaluated: 2019-08-13. Review status: criteria provided, single submitter. Criteria: GeneDx Variant Classification Process June 2021. Collection method: clinical testing. Allele origin: germline. Affected: yes.
Comment: Not observed in large population cohorts (Lek et al., 2016); In silico analysis, which includes protein predictors and evolutionary conservation, supports a deleterious effect; Reported in ClinVar as likely pathogenic in 2 patients with the clinical diagnosis of Loeys-Dietz syndrome (SCV000053213.1; ClinVar Variant ID# 36860; Landrum et al., 2016); This variant is associated with the following publications: (PMID: 17061023, 16799921)

ARUP Laboratories, Molecular Genetics and Genomics, ARUP Laboratories
Classification: Likely pathogenic. Last evaluated: 2018-10-02. Review status: criteria provided, single submitter. Criteria: ARUP Molecular Germline Variant Investigation Process. Collection method: clinical testing. Allele origin: germline.
Comment: The TGFBR2 c.1151A>G; p.Asn384Ser variant (rs193922660) has been described in multiple individuals with features of Loeys-Dietz syndrome (Frederic 2009, Loeys 2006, Singh 2006). This variant contains an entry in ClinVar (Variation ID: 36860) and is absent from general population databases (1000 Genomes Project, Exome Variant Server, and Genome Aggregation Database), indicating it is not a common polymorphism. The asparagine at codon 384 is highly conserved, and computational algorithms (PolyPhen-2, SIFT) predict that this variant is deleterious. Moreover, multiple missense variants in neighboring codons also located in the serine-threonine kinase domain have been identified in cohorts of Loeys-Dietz syndrome patients (Stheneur 2008). Based on available information, this variant is considered likely pathogenic. REFERENCES Frederic MY et al. A new locus-specific database (LSDB) for mutations in the TGFBR2 gene: UMD-TGFBR2. Hum Mutat. 2008 Jan;29(1):33-8. Loeys BL et al. Aneurysm syndromes caused by mutations in the TGF-beta receptor. N Engl J Med. 2006 Aug 24;355(8):788-98. Singh KK et al. TGFBR1 and TGFBR2 mutations in patients with features of Marfan syndrome and Loeys-Dietz syndrome. Hum Mutat. 2006 Aug;27(8):770-7. Stheneur C et al. Identification of 23 TGFBR2 and 6 TGFBR1 gene mutations and genotype-phenotype investigations in 457 patients with Marfan syndrome type I and II, Loeys-Dietz syndrome and related disorders. Hum Mutat. 2008 Nov;29(11):E284-95.

Women's Health and Genetics/Laboratory Corporation of America, LabCorp
Classification: Likely pathogenic for Loeys-Dietz Syndrome. Last evaluated: 2011-08-18. Review status: criteria provided, single submitter. Criteria: LabCorp Variant Classification Summary - May 2015. Collection method: curation, clinical testing. Allele origin: germline. Inheritance: autosomal dominant. Affected: yes. Observed: 2 variant alleles.
ClinVar note: Converted during submission from likely pathogenic to Likely pathogenic.

Literature cited by the submitters: PubMed 16799921 (cited by 3 submitters); PubMed 16928994 (cited by 3 submitters); PubMed 17061023 (cited by Women's Health and Genetics/Laboratory Corporation of America, LabCorp); PubMed 17935258 (cited by Women's Health and Genetics/Laboratory Corporation of America, LabCorp).

NM_003242.6(TGFBR2):c.1151A>G (p.Asn384Ser)

Gene: TGFBR2 (transforming growth factor beta receptor 2; plus strand). Cytogenetic location: 3p24.1.
Variant type: single nucleotide variant.
Coding change: c.1151A>G on transcript NM_003242.6 (MANE Select); coding-DNA position 1151, A replaced by G.
Protein change: p.Asn384Ser; replaces asparagine 384 with serine.
Molecular consequence: missense variant.
Genome position (GRCh38, 1-based): chr3:30,672,334, A>G. VCF-style: chr3-30672334-A-G. GRCh37 (hg19) VCF-style: chr3-30713826-A-G.
Other names: c.1226A>G, p.Asn409Ser (NM_001024847.3); c.1334A>G, p.Asn445Ser (NM_001407126.1); c.1259A>G, p.Asn420Ser (NM_001407127.1); c.1178A>G, p.Asn393Ser (NM_001407128.1); c.1154A>G, p.Asn385Ser (NM_001407129.1); c.1151A>G, p.Asn384Ser (NM_001407130.1); c.1046A>G, p.Asn349Ser (NM_001407132.1, NM_001407133.1, NM_001407134.1 and 2 more transcripts); c.866A>G, p.Asn289Ser (NM_001407137.1); and 1 more; short protein forms N384S, N409S, N289S, N393S, N385S, N264S, N420S, N445S.
Identifiers: ClinVar variation 36860 (VCV000036860.22), dbSNP rs193922660, ClinGen allele CA020609.